The following is an entry in ClinVar:

NM_001735.3(C5):c.4489G>A (p.Glu1497Lys)

Gene: C5 (complement C5; minus strand). Cytogenetic location: 9q33.2.
Variant type: single nucleotide variant.
Coding change: c.4489G>A on transcript NM_001735.3 (MANE Select); coding-DNA position 4489, G replaced by A.
Protein change: p.Glu1497Lys; replaces glutamic acid 1497 with lysine.
Molecular consequence: missense variant.
Genome position (GRCh38, 1-based): chr9:120,962,686, C>T on the plus strand (G>A on the coding strand, the complement: C5 is on the minus strand). VCF-style: chr9-120962686-C-T. GRCh37 (hg19) VCF-style: chr9-123724964-C-T.
Other names: c.4507G>A, p.Glu1503Lys (NM_001317163.2); short protein forms E1503K, E1497K.
Identifiers: ClinVar variation 1525014 (VCV001525014.9), dbSNP rs376245744, ClinGen allele CA5217167.

ClinVar aggregate classification (germline): Uncertain significance. Review status: criteria provided, multiple submitters, no conflicts (2 of 4 stars). 2 submissions from 2 submitters: Uncertain significance (2). Last evaluated 2022-04-12.

Conditions:
Eculizumab, poor response to. Identifiers: MedGen C3810402, OMIM 615749.
Complement component 5 deficiency. Also called: C5 DEFICIENCY. Identifiers: MedGen C0343047, MONDO:0012295, OMIM 609536.

Allele frequency attached by ClinVar (database versions not stated): gnomAD 0.00001; ExAC 0.00002; TOPMed 0.00002; gnomAD exomes 0.00003; ESP Exome Variant Server 0.00008.
gnomAD v4.1: 37 of 1,610,182 alleles (0.0023%); highest among the groups gnomAD compares: African/African-American, 0.0067%; no homozygotes.

Submissions (2):

Labcorp Genetics (formerly Invitae), Labcorp
Classification: Uncertain significance. Last evaluated: 2022-04-12. Review status: criteria provided, single submitter. Criteria: Invitae Variant Classification Sherloc (09022015). Collection method: clinical testing. Allele origin: germline.
Comment: In summary, the available evidence is currently insufficient to determine the role of this variant in disease. Therefore, it has been classified as a Variant of Uncertain Significance. Algorithms developed to predict the effect of missense changes on protein structure and function are either unavailable or do not agree on the potential impact of this missense change (SIFT: "Deleterious"; PolyPhen-2: "Probably Damaging"; Align-GVGD: "Class C15"). This variant has not been reported in the literature in individuals affected with C5-related conditions. This variant is present in population databases (rs376245744, gnomAD 0.01%). This sequence change replaces glutamic acid, which is acidic and polar, with lysine, which is basic and polar, at codon 1497 of the C5 protein (p.Glu1497Lys).

Fulgent Genetics
Classification: Uncertain significance for Complement component 5 deficiency; Eculizumab, poor response to. Last evaluated: 2022-04-01. Review status: criteria provided, single submitter. Criteria: ACMG Guidelines, 2015. Collection method: clinical testing. Allele origin: unknown.